The following is an entry in ClinVar:

NM_001242896.3(DEPDC5):c.1121_1122dup (p.His375fs)

Gene: DEPDC5 (DEP domain containing 5, GATOR1 subcomplex subunit; plus strand). Cytogenetic location: 22q12.3.
Variant type: Duplication.
Coding change: c.1121_1122dup on transcript NM_001242896.3 (MANE Select); coding-DNA positions 1121 to 1122, 2 bases duplicated (TA; older notation c.1121_1122dupTA).
Protein change: p.His375fs; shifts the reading frame from histidine 375.
Molecular consequence: frameshift variant. On other transcripts: non-coding transcript variant (5).
Genome position (GRCh38, 1-based): chr22:31,804,201-31,804,202, TA duplicated. VCF-style (leftmost placement, unchanged base first): chr22-31804200-T-TTA. GRCh37 (hg19) VCF-style: chr22-32200186-T-TTA.
Other names: c.1121_1122dup, p.His375fs (NM_001007188.4, NM_001136029.4, NM_001242897.2 and 7 more transcripts); c.1037_1038dup, p.His347fs (NM_001369901.1, NM_001369902.1); short protein forms H375fs, H347fs.
Identifiers: ClinVar variation 935012 (VCV000935012.7), dbSNP rs2087209471, ClinGen allele CA1139667077.
Genomic context (GRCh38, chr22:31,804,200, plus strand): 5'-TTTTTGTCTTTTCTTTTTTTAGGAATTGGTGTGGATTTGGTGTGCATGGGAGAGCAACCG[T>TTA]TACATGCTGTCCCATTGTTCAAGGTAATTAGATTTCGGATTTGTTTACTAAAGGCCAGTT-3'

ClinVar aggregate classification (germline): Pathogenic (1 of 4 stars; one submission).

Conditions:
Familial focal epilepsy with variable foci (FPEVF). Identifiers: Orphanet 98820, MedGen C1858477, MONDO:0020310.

Submission:

Labcorp Genetics (formerly Invitae), Labcorp
Classification: Pathogenic for Familial focal epilepsy with variable foci. Last evaluated: 2022-11-01. Review status: criteria provided, single submitter. Criteria: Invitae Variant Classification Sherloc (09022015). Collection method: clinical testing. Allele origin: germline.
Comment: For these reasons, this variant has been classified as Pathogenic. This sequence change creates a premature translational stop signal (p.His375Tyrfs*30) in the DEPDC5 gene. It is expected to result in an absent or disrupted protein product. Loss-of-function variants in DEPDC5 are known to be pathogenic (PMID: 23542697, 23542701). ClinVar contains an entry for this variant (Variation ID: 935012). This variant has not been reported in the literature in individuals affected with DEPDC5-related conditions. This variant is not present in population databases (gnomAD no frequency).

Literature cited by the submitters: PubMed 23542697; PubMed 23542701.